The following is an entry in ClinVar:

ClinVar aggregate classification (germline): Pathogenic. Review status: reviewed by expert panel (3 of 4 stars). 10 submissions from 10 submitters: Pathogenic (1). 9 of the submissions do not count toward it. Last evaluated 2017-03-17.

Conditions:
CFTR-related disorder (CFTR-RD). Also called: CFTR-related condition; CFTR-related disorders. Identifiers: MedGen C5924204, MONDO:7770004.
Cystic fibrosis (CF). Also called: MUCOVISCIDOSIS. Identifiers: Orphanet 586, MedGen C0010674, MONDO:0009061, OMIM 219700. Disease mechanism: loss of function.

Allele frequency attached by ClinVar (database versions not stated): TOPMed below 0.00001; gnomAD exomes below 0.00001 and 0.00002; ExAC 0.00004.

Submissions (10):

CFTR2
Classification: Pathogenic for Cystic fibrosis. Last evaluated: 2017-03-17. Review status: reviewed by expert panel. Criteria: Sosnay PR et al. (Nat Genet 2013). Collection method: research. Allele origin: germline. Affected: yes. Study: CFTR2.

Labcorp Genetics (formerly Invitae), Labcorp
Classification: Pathogenic for Cystic fibrosis. Last evaluated: 2025-04-09. Review status: criteria provided, single submitter. Criteria: Invitae Variant Classification Sherloc (09022015). Collection method: clinical testing. Allele origin: germline. Not counted in ClinVar's aggregate classification.
Comment: This sequence change affects the initiator methionine of the CFTR mRNA. The next in-frame methionine is located at codon 82. This variant is present in population databases (rs397508328, gnomAD 0.004%). Disruption of the initiator codon has been observed in individual(s) with cystic fibrosis (PMID: 22299590, 27086061). ClinVar contains an entry for this variant (Variation ID: 53423). For these reasons, this variant has been classified as Pathogenic.

Women's Health and Genetics/Laboratory Corporation of America, LabCorp
Classification: Pathogenic for Cystic fibrosis. Last evaluated: 2020-09-21. Review status: criteria provided, single submitter. Criteria: LabCorp Variant Classification Summary - May 2015. Collection method: clinical testing. Allele origin: germline. Not counted in ClinVar's aggregate classification.
Comment: Variant summary: CFTR c.1A>G (p.Met1Val) alters the initiation codon and is predicted to result either in absence of the protein or truncation of the encoded protein due to translation initiation at a downstream codon. Two of three in-silico tools predict a benign effect of the variant on protein function. The variant allele was found at a frequency of 2e-05 in 251892 control chromosomes (gnomAD). c.1A>G has been reported in the literature in multiple individuals affected with Classic Cystic Fibrosis (Cheadle_1993, Cheadle_1994, desGeorges_2004, Gelfi_1996, Dugueperoux_2005, McCague_2019). These data indicate that the variant is very likely to be associated with disease. At least one publication reports experimental evidence evaluating an impact on protein function and results in severe defects in CFTR mRNA expression, CFTR maturation and chloride transport (VanGoor_2014). Four ClinVar submitters, including one expert panel (CFTR2), (evaluation after 2014) cite the variant as pathogenic. Based on the evidence outlined above, the variant was classified as pathogenic.

Mendelics
Classification: Pathogenic for Cystic fibrosis. Last evaluated: 2018-11-05. Review status: criteria provided, single submitter. Criteria: Mendelics Assertion Criteria 2017. Collection method: clinical testing. Allele origin: unknown. Affected: yes. Not counted in ClinVar's aggregate classification.

ARUP Laboratories, Molecular Genetics and Genomics, ARUP Laboratories
Classification: Pathogenic. Last evaluated: 2018-06-11. Review status: criteria provided, single submitter. Criteria: ARUP Molecular Germline Variant Investigation Process. Collection method: clinical testing. Allele origin: germline. Not counted in ClinVar's aggregate classification.
Comment: The CFTR c.1A>G; p.Met1? variant (rs397508328) has been described in several individuals diagnosed with cystic fibrosis, and often associated with pancreatic insufficiency (see link to CFTR2 database). It is reported as pathogenic in ClinVar (Variation ID: 53423) and observed in the European (Non-Finnish) population at a low overall frequency of 0.004% (5/111584 alleles) in the Genome Aggregation Database. This variant affects the translation initiation codon of the CFTR gene and in vitro functional studies of this variant demonstrate severe defects in CFTR maturation and chloride transport (<1% of wildtype) (Van Goor 2014). In addition, other variants that affect the start codon in exon 1 (c.2T>C, c.2T>A, c.3G>T) have been described in individuals with pancreatic insufficient cystic fibrosis and are considered pathogenic (Bienvenu 2005, Claustres 1993, Hughes 1996). Based on available information, this variant is considered pathogenic. References: CFTR2 database: Bienvenu T et al. Spectrum of CFTR mutations on RÃ©union Island: impact on neonatal screening. Hum Biol. 2005 Oct;77(5):705-14. Claustres M et al. Analysis of the 27 exons and flanking regions of the cystic fibrosis gene: 40 different mutations account for 91.2% of the mutant alleles in southern France. Hum Mol Genet. 1993 Aug;2(8):1209-13. Hughes D et al. Mutation characterization of CFTR gene in 206 Northern Irish CF families: thirty mutations, including two novel, account for approximately 94% of CF chromosomes. Hum Mutat. 1996;8(4):340-7. Van Goor F et al. Effect of ivacaftor on CFTR forms with missense mutations associated with defects in protein processing or function. J Cyst Fibros. 2014 Jan;13(1):29-36.

CFTR-France
Classification: Pathogenic for cystic fibrosis. Last evaluated: 2018-01-29. Review status: criteria provided, single submitter. Criteria: Claustres M et al. (Hum Mutat 2017). Collection method: curation. Allele origin: germline. Affected: yes. Not counted in ClinVar's aggregate classification.

Ambry Genetics
Classification: Pathogenic for Cystic fibrosis. Last evaluated: 2017-09-06. Review status: criteria provided, single submitter. Criteria: Ambry Variant Classification Scheme 2023. Collection method: clinical testing. Allele origin: germline. Not counted in ClinVar's aggregate classification.
Comment: The p.M1? pathogenic mutation (also known as c.1A>G), located in coding exon 1 of the CFTR gene, results from an A to G substitution at nucleotide position 1. This alters the methionine residue at the initiation codon. This alteration has been reported in individuals with cystic fibrosis or congenital bilateral absence of vas deferens (des Georges M et al. J. Cyst. Fibros., 2004 Dec;3:265-72; Steiner B et al. Hum. Mutat., 2011 Aug;32:912-20; Sosnay PR et al. Nat. Genet., 2013 Oct;45:1160-7). Although alternative translation initiation has been suggested for CFTR, mutant proteins were shown to be unstable and failed membrane translocation (Carroll TP et al. J. Biol. Chem., 1995 May;270:11941-6; Ramalho AS et al. Cell. Physiol. Biochem., 2009 Nov;24:335-46). In addition, functional studies have suggested that this alteration resulted in deficient protein maturation and subsequently abolished channel conductivity (Sosnay PR et al. Nat. Genet., 2013 Oct;45:1160-7; Van Goor F et al. J. Cyst. Fibros., 2014 Jan;13:29-36). In addition to the clinical data presented in the literature, since sequence variations that modify the initiation codon (ATG) are expected to result in either loss of translation initiation, N-terminal truncation, or cause a shift in the mRNA reading frame, this alteration is interpreted as a disease-causing mutation.

Natera, Inc.
Classification: Pathogenic for CFTR-related disorders. Last evaluated: 2017-03-17. Review status: no assertion criteria provided. Collection method: clinical testing. Allele origin: germline. Not counted in ClinVar's aggregate classification.

Counsyl
Classification: Likely pathogenic for Cystic fibrosis. Last evaluated: 2014-07-23. Review status: no assertion criteria provided. Collection method: literature only. Allele origin: unknown. Inheritance: Autosomal recessive inheritance. Not counted in ClinVar's aggregate classification.

Genomics And Bioinformatics Analysis Resource, Columbia University
Classification: Pathogenic for Cystic fibrosis. Review status: no assertion criteria provided. Collection method: research. Allele origin: unknown. Affected: yes. Not counted in ClinVar's aggregate classification.
Comment: Compound Heterozygous

Literature cited by the submitters: PubMed 22299590 (cited by Labcorp Genetics (formerly Invitae), Labcorp); PubMed 27086061 (cited by Labcorp Genetics (formerly Invitae), Labcorp); PubMed 16596947 (cited by Women's Health and Genetics/Laboratory Corporation of America, LabCorp); PubMed 7505689 (cited by Women's Health and Genetics/Laboratory Corporation of America, LabCorp and Counsyl); PubMed 15738290 (cited by Women's Health and Genetics/Laboratory Corporation of America, LabCorp); PubMed 15698946 (cited by 3 submitters); PubMed 21520337 (cited by 3 submitters); PubMed 7538127 (cited by 3 submitters); PubMed 7527269 (cited by Women's Health and Genetics/Laboratory Corporation of America, LabCorp and Counsyl); PubMed 9043706 (cited by Women's Health and Genetics/Laboratory Corporation of America, LabCorp); PubMed 8922636 (cited by Women's Health and Genetics/Laboratory Corporation of America, LabCorp); PubMed 19910674 (cited by 3 submitters); PubMed 9459003 (cited by Women's Health and Genetics/Laboratory Corporation of America, LabCorp); PubMed 23891399 (cited by 3 submitters); PubMed 30888834 (cited by Women's Health and Genetics/Laboratory Corporation of America, LabCorp); PubMed 23974870 (cited by Ambry Genetics and Counsyl).

NM_000492.4(CFTR):c.1A>G (p.Met1Val)

Gene: CFTR (CF transmembrane conductance regulator; plus strand). Cytogenetic location: 7q31.2.
Variant type: single nucleotide variant.
Coding change: c.1A>G on transcript NM_000492.4 (MANE Select); coding-DNA position 1, A replaced by G.
Protein change: p.Met1Val; changes the start codon (methionine 1).
Molecular consequence: missense variant, initiator codon variant.
Genome position (GRCh38, 1-based): chr7:117,480,095, A>G. VCF-style: chr7-117480095-A-G. GRCh37 (hg19) VCF-style: chr7-117120149-A-G.
Other names: short protein forms M1V.
Identifiers: ClinVar variation 53423 (VCV000053423.23), dbSNP rs397508328, ClinGen allele CA345308.